The following is an entry in ClinVar:

NM_017946.4(FKBP14):c.161G>C (p.Gly54Ala)

Genes: FKBP14 (FKBP prolyl isomerase 14; minus strand), FKBP14-AS1 (FKBP14 antisense RNA 1; plus strand). Cytogenetic location: 7p14.3.
Variant type: single nucleotide variant.
Coding change: c.161G>C on transcript NM_017946.4 (MANE Select); coding-DNA position 161, G replaced by C.
Protein change: p.Gly54Ala; replaces glycine 54 with alanine.
Molecular consequence: missense variant. On other transcripts: non-coding transcript variant (3).
Genome position (GRCh38, 1-based): chr7:30,026,348, C>G on the plus strand (G>C on the coding strand, the complement: FKBP14 is on the minus strand). VCF-style: chr7-30026348-C-G. GRCh37 (hg19) VCF-style: chr7-30065964-C-G.
Other names: p.Gly54Ala; short protein forms G54A.
Identifiers: ClinVar variation 3379744 (VCV003379744.1).

ClinVar aggregate classification (germline): Uncertain significance (1 of 4 stars; one submission).

Submission:

Mayo Clinic Laboratories, Mayo Clinic
Classification: Uncertain significance. Last evaluated: 2024-09-11. Review status: criteria provided, single submitter. Criteria: ACMG Guidelines, 2015. Collection method: clinical testing. Allele origin: germline. Observed: 1 variant allele.
Comment: PM2